The following is an entry in ClinVar:

NM_004357.5(CD151):c.400T>A (p.Tyr134Asn)

Gene: CD151 (CD151 molecule (Raph blood group); plus strand). Cytogenetic location: 11p15.5.
Variant type: single nucleotide variant.
Coding change: c.400T>A on transcript NM_004357.5 (MANE Select); coding-DNA position 400, T replaced by A.
Protein change: p.Tyr134Asn; replaces tyrosine 134 with asparagine.
Molecular consequence: missense variant.
Genome position (GRCh38, 1-based): chr11:837,298, T>A. VCF-style: chr11-837298-T-A. GRCh37 (hg19) VCF-style: chr11-837298-T-A.
Other names: c.400T>A, p.Tyr134Asn (NM_001039490.2, NM_139029.2, NM_139030.4); short protein forms Y134N.
Identifiers: ClinVar variation 2099915 (VCV002099915.4), dbSNP rs2495982144, ClinGen allele CA378994559.

ClinVar aggregate classification (germline): Uncertain significance (1 of 4 stars; one submission).

Submission:

Labcorp Genetics (formerly Invitae), Labcorp
Classification: Uncertain significance. Last evaluated: 2024-10-08. Review status: criteria provided, single submitter. Criteria: Invitae Variant Classification Sherloc (09022015). Collection method: clinical testing. Allele origin: germline.
Comment: This sequence change replaces tyrosine, which is neutral and polar, with asparagine, which is neutral and polar, at codon 134 of the CD151 protein (p.Tyr134Asn). This variant is not present in population databases (gnomAD no frequency). This variant has not been reported in the literature in individuals affected with CD151-related conditions. ClinVar contains an entry for this variant (Variation ID: 2099915). An algorithm developed to predict the effect of missense changes on protein structure and function (PolyPhen-2) suggests that this variant is likely to be disruptive. In summary, the available evidence is currently insufficient to determine the role of this variant in disease. Therefore, it has been classified as a Variant of Uncertain Significance.